The following is an entry in ClinVar:

ClinVar aggregate classification (germline): Uncertain significance (1 of 4 stars; one submission).

Submission:

Labcorp Genetics (formerly Invitae), Labcorp
Classification: Uncertain significance. Last evaluated: 2023-07-17. Review status: criteria provided, single submitter. Criteria: Invitae Variant Classification Sherloc (09022015). Collection method: clinical testing. Allele origin: germline.
Comment: This variant is not present in population databases (gnomAD no frequency). This sequence change replaces glutamine, which is neutral and polar, with arginine, which is basic and polar, at codon 2065 of the PRPF8 protein (p.Gln2065Arg). This variant has not been reported in the literature in individuals affected with PRPF8-related conditions. ClinVar contains an entry for this variant (Variation ID: 935875). Advanced modeling of protein sequence and biophysical properties (such as structural, functional, and spatial information, amino acid conservation, physicochemical variation, residue mobility, and thermodynamic stability) performed at Invitae indicates that this missense variant is not expected to disrupt PRPF8 protein function. In summary, the available evidence is currently insufficient to determine the role of this variant in disease. Therefore, it has been classified as a Variant of Uncertain Significance.

NM_006445.4(PRPF8):c.6194A>G (p.Gln2065Arg)

Gene: PRPF8 (pre-mRNA processing factor 8; minus strand). Cytogenetic location: 17p13.3.
Variant type: single nucleotide variant.
Coding change: c.6194A>G on transcript NM_006445.4 (MANE Select); coding-DNA position 6194, A replaced by G.
Protein change: p.Gln2065Arg; replaces glutamine 2065 with arginine.
Molecular consequence: missense variant.
Genome position (GRCh38, 1-based): chr17:1,653,810, T>C on the plus strand (A>G on the coding strand, the complement: PRPF8 is on the minus strand). VCF-style: chr17-1653810-T-C. GRCh37 (hg19) VCF-style: chr17-1557104-T-C.
Other names: short protein forms Q2065R.
Identifiers: ClinVar variation 935875 (VCV000935875.7), dbSNP rs1911208451, ClinGen allele CA397567045.